The following is an entry in ClinVar:

NM_001012759.3(CTU2):c.121C>G (p.Arg41Gly)

Gene: CTU2 (cytosolic thiouridylase subunit 2; plus strand). Cytogenetic location: 16q24.3.
Variant type: single nucleotide variant.
Coding change: c.121C>G on transcript NM_001012759.3 (MANE Select); coding-DNA position 121, C replaced by G.
Protein change: p.Arg41Gly; replaces arginine 41 with glycine.
Molecular consequence: missense variant. On other transcripts: 5 prime UTR variant (1).
Genome position (GRCh38, 1-based): chr16:88,707,188, C>G. VCF-style: chr16-88707188-C-G. GRCh37 (hg19) VCF-style: chr16-88773596-C-G.
Other names: c.121C>G (NM_001012759.2); c.121C>G, p.Arg41Gly (NM_001012762.3, NM_001318507.2); c.-62C>G (NM_001318513.2); short protein forms R41G.
Identifiers: ClinVar variation 2063449 (VCV002063449.3), dbSNP rs201724248, ClinGen allele CA8230009.

ClinVar aggregate classification (germline): Uncertain significance. Review status: criteria provided, single submitter (1 of 4 stars). 2 submissions from 2 submitters: Uncertain significance (1). 1 of the submissions does not count toward it. Last evaluated 2022-07-26.

Conditions:
CTU2-related disorder. Also called: CTU2-related condition.

Allele frequency attached by ClinVar (database versions not stated): TOPMed 0.00015; ExAC 0.00025.
gnomAD v4.1: 245 of 1,613,930 alleles (0.015%); highest among the groups gnomAD compares: Middle Eastern, 0.13%; no homozygotes.

Submissions (2):

Labcorp Genetics (formerly Invitae), Labcorp
Classification: Uncertain significance. Last evaluated: 2022-07-26. Review status: criteria provided, single submitter. Criteria: Invitae Variant Classification Sherloc (09022015). Collection method: clinical testing. Allele origin: germline.
Comment: This sequence change replaces arginine, which is basic and polar, with glycine, which is neutral and non-polar, at codon 41 of the CTU2 protein (p.Arg41Gly). This variant is present in population databases (rs201724248, gnomAD 0.05%). This variant has not been reported in the literature in individuals affected with CTU2-related conditions. Algorithms developed to predict the effect of missense changes on protein structure and function are either unavailable or do not agree on the potential impact of this missense change (SIFT: "Not Available"; PolyPhen-2: "Possibly Damaging"; Align-GVGD: "Not Available"). In summary, the available evidence is currently insufficient to determine the role of this variant in disease. Therefore, it has been classified as a Variant of Uncertain Significance.

PreventionGenetics, part of Exact Sciences
Classification: Uncertain significance for CTU2-related condition. Last evaluated: 2023-10-18. Review status: no assertion criteria provided. Collection method: clinical testing. Allele origin: germline. Not counted in ClinVar's aggregate classification.
Comment: The CTU2 c.121C>G variant is predicted to result in the amino acid substitution p.Arg41Gly. To our knowledge, this variant has not been reported in the literature. This variant is reported in 0.046% of alleles in individuals of South Asian descent in gnomAD. At this time, the clinical significance of this variant is uncertain due to the absence of conclusive functional and genetic evidence.